The following is an entry in ClinVar:

NM_000059.4(BRCA2):c.7528_7529delinsAC (p.Leu2510Thr)

Gene: BRCA2 (BRCA2 DNA repair associated; plus strand). Cytogenetic location: 13q13.1.
Variant type: Indel.
Coding change: c.7528_7529delinsAC on transcript NM_000059.4 (MANE Select); coding-DNA positions 7528 to 7529, CT replaced by AC.
Protein change: p.Leu2510Thr; replaces leucine 2510 with threonine.
Molecular consequence: missense variant.
Genome position (GRCh38, 1-based): chr13:32,356,520-32,356,521, CT replaced by AC. VCF-style: chr13-32356520-CT-AC. GRCh37 (hg19) VCF-style: chr13-32930657-CT-AC.
Other names: c.7528_7529delCTinsAC (NM_000059.3); short protein forms L2510T.
Identifiers: ClinVar variation 1396370 (VCV001396370.7), dbSNP rs2137562615, ClinGen allele CA2573149393.

ClinVar aggregate classification (germline): Uncertain significance. Review status: criteria provided, multiple submitters, no conflicts (2 of 4 stars). 2 submissions from 2 submitters: Uncertain significance (2). Last evaluated 2025-04-11.

Conditions:
Hereditary cancer-predisposing syndrome. Also called: Neoplastic Syndromes, Hereditary; Hereditary neoplastic syndrome; Tumor predisposition; Hereditary Cancer Syndrome. Identifiers: Orphanet 140162, MedGen C0027672, MeSH D009386, MONDO:0015356.
Hereditary breast ovarian cancer syndrome. Also called: BRCA1- and BRCA2-Associated Hereditary Breast and Ovarian Cancer; Hereditary breast and ovarian cancer syndrome (HBOC); Hereditary breast and ovarian cancer syndrome; Hereditary breast and ovarian cancer; Breast and ovarian cancer; Hereditary breast and/or ovarian cancer syndrome. Identifiers: Orphanet 145, MedGen C0677776, MeSH D061325, MONDO:0003582. Disease mechanism: loss of function.

Submissions (2):

Ambry Genetics
Classification: Uncertain significance for Hereditary cancer-predisposing syndrome. Last evaluated: 2025-04-11. Review status: criteria provided, single submitter. Criteria: Ambry Variant Classification Scheme 2023. Collection method: clinical testing. Allele origin: germline.
Comment: The c.7528_7529delCTinsAC variant, located in coding exon 14 of the BRCA2 gene, results from an in-frame deletion of CT and insertion of AC at nucleotide positions 7528 to 7529. This results in the substitution of the leucine residue for a threonine residue at codon 2510, an amino acid with similar properties. This amino acid position is highly conserved in available vertebrate species. In addition, this alteration is predicted to be neutral by in silico analysis (Choi Y et al. PLoS ONE. 2012; 7(10):e46688). Based on the available evidence, the clinical significance of this variant remains unclear.

Labcorp Genetics (formerly Invitae), Labcorp
Classification: Uncertain significance for Hereditary breast ovarian cancer syndrome. Last evaluated: 2022-09-19. Review status: criteria provided, single submitter. Criteria: Invitae Variant Classification Sherloc (09022015). Collection method: clinical testing. Allele origin: germline.
Comment: This sequence change replaces leucine, which is neutral and non-polar, with threonine, which is neutral and polar, at codon 2510 of the BRCA2 protein (p.Leu2510Thr). In summary, the available evidence is currently insufficient to determine the role of this variant in disease. Therefore, it has been classified as a Variant of Uncertain Significance. This variant disrupts the p.Leu2510 amino acid residue in BRCA2. Other variant(s) that disrupt this residue have been determined to be pathogenic (PMID: 14670928, 21719596, 23108138). This suggests that this residue is clinically significant, and that variants that disrupt this residue are likely to be disease-causing. Algorithms developed to predict the effect of sequence changes on RNA splicing suggest that this variant may create or strengthen a splice site. Algorithms developed to predict the effect of missense changes on protein structure and function are either unavailable or do not agree on the potential impact of this missense change (SIFT: "Not Available"; PolyPhen-2: "Probably Damaging"; Align-GVGD: "Not Available"). ClinVar contains an entry for this variant (Variation ID: 1396370). This variant has not been reported in the literature in individuals affected with BRCA2-related conditions. Information on the frequency of this variant in the gnomAD database is not available, as this variant may be reported differently in the database.

Literature cited by the submitters: PubMed 14670928 (cited by Labcorp Genetics (formerly Invitae), Labcorp); PubMed 21719596 (cited by Labcorp Genetics (formerly Invitae), Labcorp); PubMed 23108138 (cited by Labcorp Genetics (formerly Invitae), Labcorp).